The following is an entry in ClinVar:

NM_001845.6(COL4A1):c.1945G>A (p.Gly649Arg)

Gene: COL4A1 (collagen type IV alpha 1 chain; minus strand). Cytogenetic location: 13q34.
Variant type: single nucleotide variant.
Coding change: c.1945G>A on transcript NM_001845.6 (MANE Select); coding-DNA position 1945, G replaced by A.
Protein change: p.Gly649Arg; replaces glycine 649 with arginine.
Molecular consequence: missense variant.
Genome position (GRCh38, 1-based): chr13:110,183,229, C>T on the plus strand (G>A on the coding strand, the complement: COL4A1 is on the minus strand). VCF-style: chr13-110183229-C-T. GRCh37 (hg19) VCF-style: chr13-110835576-C-T.
Other names: short protein forms G649R.
Identifiers: ClinVar variation 1324114 (VCV001324114.9), dbSNP rs2139169795, ClinGen allele CA388722404.
Genomic context (GRCh38, chr13:110,183,229, plus strand): 5'-GAATTCCAATCGTACCTTGGGGACCTGGGAAGCCTGGGGACCCCGGCAGTCCTTCTGCTC[C>T]AGGGGGGCCTGGTAAAGGAACAATTTTTCCTGGTTCACCCTTTGGACCTAGAGGAAAAAA-3'
Protein context (NP_001836.3, residues 639-659): GKIVPLPGPP[Gly649Arg]AEGLPGSPGF

ClinVar aggregate classification (germline): Likely pathogenic. Review status: criteria provided, multiple submitters, no conflicts (2 of 4 stars). 2 submissions from 2 submitters: Likely pathogenic (2). Last evaluated 2021-11-30.

Submissions (2):

Labcorp Genetics (formerly Invitae), Labcorp
Classification: Likely pathogenic. Last evaluated: 2021-11-30. Review status: criteria provided, single submitter. Criteria: Invitae Variant Classification Sherloc (09022015). Collection method: clinical testing. Allele origin: germline.
Comment: In summary, the currently available evidence indicates that the variant is pathogenic, but additional data are needed to prove that conclusively. Therefore, this variant has been classified as Likely Pathogenic. This variant disrupts the triple helix domain of COL4A1. Glycine residues within the Gly-Xaa-Yaa repeats of the triple helix domain are required for the structure and stability of fibrillar collagens (PMID: 7695699, 8218237, 19344236). In COL4A1 variants affecting these glycine residues are significantly enriched in individuals with disease (PMID: 9016532, 17078022) compared to the general population (ExAC). This variant is not present in population databases (gnomAD no frequency). This sequence change replaces glycine, which is neutral and non-polar, with arginine, which is basic and polar, at codon 649 of the COL4A1 protein (p.Gly649Arg). This variant has not been reported in the literature in individuals affected with COL4A1-related conditions. Algorithms developed to predict the effect of sequence changes on RNA splicing suggest that this variant may create or strengthen a splice site. Advanced modeling of protein sequence and biophysical properties (such as structural, functional, and spatial information, amino acid conservation, physicochemical variation, residue mobility, and thermodynamic stability) performed at Invitae indicates that this missense variant is expected to disrupt COL4A1 protein function.

Revvity Omics, Revvity
Classification: Likely pathogenic. Last evaluated: 2021-09-16. Review status: criteria provided, single submitter. Criteria: ACMG Guidelines, 2015. Collection method: clinical testing. Allele origin: germline.

Literature cited by the submitters: PubMed 7695699 (cited by Labcorp Genetics (formerly Invitae), Labcorp); PubMed 8218237 (cited by Labcorp Genetics (formerly Invitae), Labcorp); PubMed 19344236 (cited by Labcorp Genetics (formerly Invitae), Labcorp); PubMed 9016532 (cited by Labcorp Genetics (formerly Invitae), Labcorp); PubMed 17078022 (cited by Labcorp Genetics (formerly Invitae), Labcorp).